The following is an entry in ClinVar:

ClinVar aggregate classification (germline): Uncertain significance (1 of 4 stars; one submission).

Conditions:
Leukocyte adhesion deficiency 1 (LAD1). Also called: LEUKOCYTE ADHESION DEFICIENCY, TYPE I; LAD 1; Lymphocyte function-associated antigen 1 immunodeficiency; LFA 1 immunodeficiency. Identifiers: Orphanet 2968, Orphanet 99842, MedGen C0398738, MONDO:0007293, OMIM 116920.

Allele frequency attached by ClinVar (database versions not stated): ExAC 0.00001; gnomAD exomes 0.00001.
gnomAD v4.1: 4 of 1,614,056 alleles (0.00025%); highest among the groups gnomAD compares: Non-Finnish European, 0.00034%; no homozygotes.

Submission:

Labcorp Genetics (formerly Invitae), Labcorp
Classification: Uncertain significance for Leukocyte adhesion deficiency 1. Last evaluated: 2018-03-25. Review status: criteria provided, single submitter. Criteria: Invitae Variant Classification Sherloc (09022015). Collection method: clinical testing. Allele origin: germline.
Comment: This sequence change replaces aspartic acid with asparagine at codon 134 of the ITGB2 protein (p.Asp134Asn). The aspartic acid residue is highly conserved and there is a small physicochemical difference between aspartic acid and asparagine. This variant is present in population databases (rs745917556, ExAC 0.001%). This variant has not been reported in the literature in individuals with ITGB2-related disease. Experimental studies have shown that this missense change variant fails to support the surface expression of β2 integrins.(PMID: 25514840). In summary, the available evidence is currently insufficient to determine the role of this variant in disease. Therefore, it has been classified as a Variant of Uncertain Significance.

Literature cited by the submitters: PubMed 25514840.

NM_000211.5(ITGB2):c.400G>A (p.Asp134Asn)

Gene: ITGB2 (integrin subunit beta 2; minus strand). Cytogenetic location: 21q22.3.
Variant type: single nucleotide variant.
Coding change: c.400G>A on transcript NM_000211.5 (MANE Select); coding-DNA position 400, G replaced by A.
Protein change: p.Asp134Asn; replaces aspartic acid 134 with asparagine.
Molecular consequence: missense variant.
Genome position (GRCh38, 1-based): chr21:44,903,464, C>T on the plus strand (G>A on the coding strand, the complement: ITGB2 is on the minus strand). VCF-style: chr21-44903464-C-T. GRCh37 (hg19) VCF-style: chr21-46323379-C-T.
Other names: c.400G>A, p.Asp134Asn (NM_001127491.3); c.193G>A, p.Asp65Asn (NM_001303238.2); short protein forms D134N, D65N.
Identifiers: ClinVar variation 566047 (VCV000566047.9), dbSNP rs745917556, ClinGen allele CA10063223.